The following is an entry in ClinVar:

NM_004517.4(ILK):c.466G>A (p.Gly156Ser)

Genes: ILK (integrin linked kinase; plus strand), TAF10 (TATA-box binding protein associated factor 10; minus strand). Cytogenetic location: 11p15.4.
Variant type: single nucleotide variant.
Coding change: c.466G>A on transcript NM_004517.4 (MANE Select); coding-DNA position 466, G replaced by A.
Protein change: p.Gly156Ser; replaces glycine 156 with serine.
Molecular consequence: missense variant. On other transcripts: nonsense (1), 3 prime UTR variant (1).
Genome position (GRCh38, 1-based): chr11:6,608,901, G>A. VCF-style: chr11-6608901-G-A. GRCh37 (hg19) VCF-style: chr11-6630132-G-A.
Other names: c.466G>A, p.Gly156Ser (NM_001014794.3, NM_001014795.3); c.369G>A, p.Trp123Ter (NM_001278441.2); c.64G>A, p.Gly22Ser (NM_001278442.2); c.*2021C>T (NM_006284.4); short protein forms G22S, G156S, W123*.
Identifiers: ClinVar variation 666077 (VCV000666077.16), dbSNP rs199790448, ClinGen allele CA5858063.

ClinVar aggregate classification (germline): Conflicting classifications of pathogenicity. Review status: criteria provided, conflicting classifications (1 of 4 stars). 4 submissions from 4 submitters: Uncertain significance (1); Likely benign (1). 2 of the submissions do not count toward it. Last evaluated 2025-11-05.

Conditions:
Primary familial hypertrophic cardiomyopathy (HCM). Identifiers: Orphanet 99739, MedGen C0949658, MeSH D024741, MONDO:0024573. Inheritance: Various modes of inheritance.

Allele frequency attached by ClinVar (database versions not stated): ExAC 0.00006; gnomAD exomes 0.00007 and 0.00018; TOPMed 0.00007; gnomAD 0.00008 and 0.00009.
gnomAD v4.1: 272 of 1,614,062 alleles (0.017%); highest among the groups gnomAD compares: Non-Finnish European, 0.023%; no homozygotes.

Submissions (4):

Labcorp Genetics (formerly Invitae), Labcorp
Classification: Uncertain significance for Primary familial hypertrophic cardiomyopathy. Last evaluated: 2025-11-05. Review status: criteria provided, single submitter. Criteria: Invitae Variant Classification Sherloc (09022015). Collection method: clinical testing. Allele origin: germline.
Comment: This sequence change replaces glycine, which is neutral and non-polar, with serine, which is neutral and polar, at codon 156 of the ILK protein (p.Gly156Ser). This variant is present in population databases (rs199790448, gnomAD 0.01%). This variant has not been reported in the literature in individuals affected with ILK-related conditions. ClinVar contains an entry for this variant (Variation ID: 666077). An algorithm developed to predict the effect of missense changes on protein structure and function (PolyPhen-2) suggests that this variant is likely to be tolerated. In summary, the available evidence is currently insufficient to determine the role of this variant in disease. Therefore, it has been classified as a Variant of Uncertain Significance.

Ambry Genetics
Classification: Likely benign. Last evaluated: 2022-12-28. Review status: criteria provided, single submitter. Criteria: Ambry Variant Classification Scheme 2023. Collection method: clinical testing. Allele origin: germline.

Diagnostic Laboratory, Department of Genetics, University Medical Center Groningen
Classification: Uncertain significance. Review status: no assertion criteria provided. Collection method: clinical testing. Allele origin: germline. Affected: yes. Study: VKGL Data-share Consensus. Not counted in ClinVar's aggregate classification.

Joint Genome Diagnostic Labs from Nijmegen and Maastricht, Radboudumc and MUMC+
Classification: Uncertain significance. Review status: no assertion criteria provided. Collection method: clinical testing. Allele origin: germline. Affected: yes. Study: VKGL Data-share Consensus. Not counted in ClinVar's aggregate classification.